The following is an entry in ClinVar:

ClinVar aggregate classification (germline): Uncertain significance (1 of 4 stars; one submission).

Submission:

Labcorp Genetics (formerly Invitae), Labcorp
Classification: Uncertain significance. Last evaluated: 2023-08-27. Review status: criteria provided, single submitter. Criteria: Invitae Variant Classification Sherloc (09022015). Collection method: clinical testing. Allele origin: germline.
Comment: This sequence change replaces leucine, which is neutral and non-polar, with glutamine, which is neutral and polar, at codon 28 of the CTNNA1 protein (p.Leu28Gln). This variant is not present in population databases (gnomAD no frequency). This variant has not been reported in the literature in individuals affected with CTNNA1-related conditions. Advanced modeling of protein sequence and biophysical properties (such as structural, functional, and spatial information, amino acid conservation, physicochemical variation, residue mobility, and thermodynamic stability) performed at Invitae indicates that this missense variant is not expected to disrupt CTNNA1 protein function. In summary, the available evidence is currently insufficient to determine the role of this variant in disease. Therefore, it has been classified as a Variant of Uncertain Significance.

NM_001903.5(CTNNA1):c.83T>A (p.Leu28Gln)

Gene: CTNNA1 (catenin alpha 1; plus strand). Cytogenetic location: 5q31.2.
Variant type: single nucleotide variant.
Coding change: c.83T>A on transcript NM_001903.5 (MANE Select); coding-DNA position 83, T replaced by A.
Protein change: p.Leu28Gln; replaces leucine 28 with glutamine.
Molecular consequence: missense variant. On other transcripts: 5 prime UTR variant (2).
Genome position (GRCh38, 1-based): chr5:138,782,007, T>A. VCF-style: chr5-138782007-T-A. GRCh37 (hg19) VCF-style: chr5-138117696-T-A.
Other names: c.83T>A, p.Leu28Gln (NM_001290307.3, NM_001323982.2, NM_001323983.1 and 3 more transcripts); c.-31T>A (NM_001290309.3); c.-124T>A (NM_001290310.3); short protein forms L28Q.
Identifiers: ClinVar variation 2755721 (VCV002755721.3), dbSNP rs2532170894, ClinGen allele CA361477199.